The following is an entry in ClinVar:

ClinVar aggregate classification (germline): Uncertain significance (1 of 4 stars; one submission).

gnomAD v4.1: 2 of 1,586,456 alleles (0.00013%); highest among the groups gnomAD compares: Non-Finnish European, 0.00017%; no homozygotes.

Submission:

Women's Health and Genetics/Laboratory Corporation of America, LabCorp
Classification: Uncertain significance. Last evaluated: 2024-06-11. Review status: criteria provided, single submitter. Criteria: LabCorp Variant Classification Summary - May 2015. Collection method: clinical testing. Allele origin: germline.
Comment: Variant summary: KMT2D c.8562G>T (p.Leu2854Phe) results in a non-conservative amino acid change in the encoded protein sequence. Four of five in-silico tools predict a benign effect of the variant on protein function. The frequency data for this variant in gnomAD is considered unreliable, as metrics indicate poor data quality at this position. To our knowledge, no occurrence of c.8562G>T in individuals affected with Kabuki Syndrome 1 and no experimental evidence demonstrating its impact on protein function have been reported. No submitters have cited clinical-significance assessments for this variant to ClinVar. Based on the evidence outlined above, the variant was classified as uncertain significance.

NM_003482.4(KMT2D):c.8562G>T (p.Leu2854Phe)

Gene: KMT2D (lysine methyltransferase 2D; minus strand). Cytogenetic location: 12q13.12.
Variant type: single nucleotide variant.
Coding change: c.8562G>T on transcript NM_003482.4 (MANE Select); coding-DNA position 8562, G replaced by T.
Protein change: p.Leu2854Phe; replaces leucine 2854 with phenylalanine.
Molecular consequence: missense variant.
Genome position (GRCh38, 1-based): chr12:49,038,794, C>A on the plus strand (G>T on the coding strand, the complement: KMT2D is on the minus strand). VCF-style: chr12-49038794-C-A. GRCh37 (hg19) VCF-style: chr12-49432577-C-A.
Other names: short protein forms L2854F.
Identifiers: ClinVar variation 3339605 (VCV003339605.1).